The following is an entry in ClinVar:

ClinVar aggregate classification (germline): Pathogenic. Review status: criteria provided, multiple submitters, no conflicts (2 of 4 stars). 11 submissions from 11 submitters: Pathogenic (10). 1 of the submissions does not count toward it. Last evaluated 2026-07-08.

Conditions:
INVS-related disorders.
INVS-related disorder. Also called: INVS-related condition.
Nephronophthisis. Also called: Juvenile Nephronophthisis. Identifiers: Orphanet 655, MedGen C0687120, MONDO:0019005, HP:0000090.
Infantile nephronophthisis (NPHP2). Also called: Nephronophthisis 2, infantile; Nephronophthisis 2. Identifiers: Orphanet 655, Orphanet 93591, MedGen C1865872, MONDO:0011190, OMIM 602088.

Allele frequency attached by ClinVar (database versions not stated): gnomAD 0.00005 and 0.00006; ExAC 0.00008; gnomAD exomes 0.00008 and 0.00009; TOPMed 0.00008.

Submissions (11):

PreventionGenetics, part of Exact Sciences
Classification: Pathogenic for INVS-related condition. Last evaluated: 2026-07-08. Review status: criteria provided, single submitter. Criteria: ACMG Guidelines, 2015. Collection method: clinical testing. Allele origin: germline.
Comment: The INVS c.1453delC variant is predicted to result in a frameshift and premature protein termination (p.Gln485Lysfs*25). This variant has been reported in the compound heterozygous state in multiple individuals with nephronophthisis (See for example, Otto et al. 2003. PubMed ID: 12872123; Table S1, Chaki et al. 2011. PubMed ID: 21866095). This variant is reported in 0.020% of alleles in individuals of Latino descent in gnomAD. Frameshift variants in INVS are expected to be pathogenic. This variant is interpreted as pathogenic.

Dasa
Classification: Pathogenic. Last evaluated: 2025-07-28. Review status: criteria provided, single submitter. Criteria: DASA Assertion Criteria. Collection method: clinical testing. Allele origin: germline.
Comment: NM_014425.5(INVS):c.1453del (p.Gln485Lysfs*25) introduces a premature termination codon predicted to result in loss of normal protein function. Loss-of-function is an established mechanism of disease for this gene. This variant has been recurrently observed in affected individuals with related phenotype in a genotype context consistent with recessive disease (PMID: 18076122; PMID: 19177160). The variant is present at low frequency in population datasets. Based on the available data, this variant is classified as pathogenic.

Labcorp Genetics (formerly Invitae), Labcorp
Classification: Pathogenic for Nephronophthisis. Last evaluated: 2025-05-08. Review status: criteria provided, single submitter. Criteria: Invitae Variant Classification Sherloc (09022015). Collection method: clinical testing. Allele origin: germline.
Comment: This sequence change creates a premature translational stop signal (p.Gln485Lysfs*25) in the INVS gene. It is expected to result in an absent or disrupted protein product. Loss-of-function variants in INVS are known to be pathogenic (PMID: 12872123). This variant is present in population databases (rs753348470, gnomAD 0.02%). This premature translational stop signal has been observed in individual(s) with nephronophthisis (PMID: 12872123, 18076122). ClinVar contains an entry for this variant (Variation ID: 11963). For these reasons, this variant has been classified as Pathogenic.

Blueprint Genetics
Classification: Pathogenic for INVS-related disorders. Last evaluated: 2024-10-28. Review status: criteria provided, single submitter. Criteria: ACMG Guidelines, 2015. Collection method: clinical testing. Allele origin: germline. Affected: yes. Observed: 5 variant alleles.

Fulgent Genetics
Classification: Pathogenic for Infantile nephronophthisis. Last evaluated: 2024-03-26. Review status: criteria provided, single submitter. Criteria: ACMG Guidelines, 2015. Collection method: clinical testing. Allele origin: germline.

Mayo Clinic Laboratories, Mayo Clinic
Classification: Pathogenic. Last evaluated: 2023-05-23. Review status: criteria provided, single submitter. Criteria: ACMG Guidelines, 2015. Collection method: clinical testing. Allele origin: germline. Observed: 1 variant allele.
Comment: PM2, PM3, PVS1

GeneDx
Classification: Pathogenic. Last evaluated: 2022-10-25. Review status: criteria provided, single submitter. Criteria: GeneDx Variant Classification Process June 2021. Collection method: clinical testing. Allele origin: germline. Affected: yes.
Comment: Frameshift variant predicted to result in protein truncation or nonsense mediated decay in a gene for which loss-of-function is a known mechanism of disease; This variant is associated with the following publications: (PMID: 12872123, 19177160, 31589614, 21866095)

Greenwood Genetic Center Diagnostic Laboratories, Greenwood Genetic Center
Classification: Pathogenic for Infantile nephronophthisis. Last evaluated: 2021-09-27. Review status: criteria provided, single submitter. Criteria: ACMG Guidelines, 2015. Collection method: clinical testing. Allele origin: germline. Affected: yes.
Comment: PVS1, PM2, PM3

Eurofins Ntd Llc (ga)
Classification: Pathogenic. Last evaluated: 2018-03-15. Review status: criteria provided, single submitter. Criteria: EGL ClinVar v180209 classification definitions. Collection method: clinical testing. Allele origin: germline.

Illumina Laboratory Services, Illumina
Classification: Pathogenic for Infantile nephronophthisis. Last evaluated: 2017-09-04. Review status: criteria provided, single submitter. Criteria: ICSL Variant Classification Criteria 09 May 2019. Collection method: clinical testing. Allele origin: germline.
Comment: The INVS c.1453delC (p.Gln485LysfsTer25) variant resulst in a frameshift variant and is predicted to result in premature termination of the protein. The p.Gln485LysfsTer25 variant has been reported in at least three studies in which it is found in a compound heterozygous state in five individuals with early onset nephronophthisis and polycystic kidney disease. All individuals developed end stage renal disease between seven and 36 months of age. (Otto et al. 2003; Tory et al. 2009; Chaki et al. 2011). All individuals carried a null variant on the second allele with three individuals carrying the same stop-gained variant and the remaining two carrying different variants resulting in a frameshift. The p.Gln485LysfsTer25 variant was absent from at least 100 controls and is reported at a frequency of 0.00026 in the Latino population of the Exome Aggregation Consortium. Based on the evidence and the potential impact of frameshift variants, the p.Gln485LysfsTer25 variant is classified as pathogenic for nephronophthisis. This variant was observed by ICSL as part of a predisposition screen in an ostensibly healthy population.

OMIM
Classification: Pathogenic for NEPHRONOPHTHISIS 2. Last evaluated: 2009-04-01. Review status: no assertion criteria provided. Collection method: literature only. Allele origin: germline. Not counted in ClinVar's aggregate classification.

Literature cited by the submitters: PubMed 18076122 (cited by 3 submitters); PubMed 19177160 (cited by 4 submitters); PubMed 12872123 (cited by 3 submitters); PubMed 21866095 (cited by Mayo Clinic Laboratories, Mayo Clinic and Illumina Laboratory Services, Illumina).

NM_014425.5(INVS):c.1453del (p.Gln485fs)

Gene: INVS (inversin; plus strand). Cytogenetic location: 9q31.1.
Variant type: Deletion.
Coding change: c.1453del on transcript NM_014425.5 (MANE Select); coding-DNA position 1453, one base deleted (C; older notation c.1453delC).
Protein change: p.Gln485fs; shifts the reading frame from glutamine 485.
Molecular consequence: frameshift variant. On other transcripts: non-coding transcript variant (1).
Genome position (GRCh38, 1-based): chr9:100,253,125, C deleted. VCF-style (leftmost placement, unchanged base first): chr9-100253124-TC-T. GRCh37 (hg19) VCF-style: chr9-103015406-TC-T.
Other names: p.Gln485Lysfs*25; c.1165del, p.Gln389fs (NM_001318381.2); c.475del, p.Gln159fs (NM_001318382.2); c.1453del (NM_014425.3); c.1453delC (NM_014425.4); short protein forms Q159fs, Q485fs, Q389fs.
Identifiers: ClinVar variation 11963 (VCV000011963.30), dbSNP rs753348470, ClinGen allele CA5158387.